The following is an entry in ClinVar:

NM_001371928.1(AHDC1):c.1325G>T (p.Gly442Val)

Gene: AHDC1 (AT-hook DNA binding motif containing 1; minus strand). Cytogenetic location: 1p36.11.
Variant type: single nucleotide variant.
Coding change: c.1325G>T on transcript NM_001371928.1 (MANE Select); coding-DNA position 1325, G replaced by T.
Protein change: p.Gly442Val; replaces glycine 442 with valine.
Molecular consequence: missense variant.
Genome position (GRCh38, 1-based): chr1:27,550,791, C>A on the plus strand (G>T on the coding strand, the complement: AHDC1 is on the minus strand). VCF-style: chr1-27550791-C-A. GRCh37 (hg19) VCF-style: chr1-27877302-C-A.
Other names: c.1325G>T, p.Gly442Val (NM_001029882.3); short protein forms G442V.
Identifiers: ClinVar variation 2638570 (VCV002638570.24), dbSNP rs2522021913, ClinGen allele CA339234554.
Genomic context (GRCh38, chr1:27,550,791, plus strand): 5'-GAGACCACTGGGGTCTGGGAAGATTCCGGCTTCAACTCTGGGACTGAGACCGGGCCTGGG[C>A]CTGGCAGGGCAGGGGGTGGAGGAGGCGGTGGTGGTGGGGGTTCGGCCAGGGCAGCCACCA-3'
Protein context (NP_001358857.1, residues 432-452): PPPPPPPALP[Gly442Val]PGPVSVPELK

ClinVar aggregate classification (germline): Uncertain significance (1 of 4 stars; one submission).

Submission:

CeGaT Center for Human Genetics Tuebingen
Classification: Uncertain significance. Last evaluated: 2022-08-01. Review status: criteria provided, single submitter. Criteria: CeGaT Center For Human Genetics Tuebingen Variant Classification Criteria Version 2. Collection method: clinical testing. Allele origin: germline. Affected: yes. Observed: 1 variant allele.
Comment: AHDC1: PM2